The following is an entry in ClinVar:

ClinVar aggregate classification (germline): Uncertain significance (1 of 4 stars; one submission).

Conditions:
LRBA-related disorder. Also called: LRBA-related condition.

Allele frequency attached by ClinVar (database versions not stated): gnomAD exomes 0.00001.
gnomAD v4.1: 12 of 1,613,680 alleles (0.00074%); highest among the groups gnomAD compares: Non-Finnish European, 0.001%; no homozygotes.

Submission:

PreventionGenetics, part of Exact Sciences
Classification: Uncertain significance for LRBA-related condition. Last evaluated: 2022-12-22. Review status: criteria provided, single submitter. Criteria: ACMG Guidelines, 2015. Collection method: clinical testing. Allele origin: germline.
Comment: The LRBA c.8567A>G variant is predicted to result in the amino acid substitution p.His2856Arg. To our knowledge, this variant has not been reported in the literature. This variant is reported in 0.00089% of alleles in individuals of European (Non-Finnish) descent in gnomAD. At this time, the clinical significance of this variant is uncertain due to the absence of conclusive functional and genetic evidence.

NM_001364905.1(LRBA):c.8534A>G (p.His2845Arg)

Gene: LRBA (LPS responsive beige-like anchor protein; minus strand). Cytogenetic location: 4q31.3.
Variant type: single nucleotide variant.
Coding change: c.8534A>G on transcript NM_001364905.1 (MANE Select); coding-DNA position 8534, A replaced by G.
Protein change: p.His2845Arg; replaces histidine 2845 with arginine.
Molecular consequence: missense variant.
Genome position (GRCh38, 1-based): chr4:150,265,747, T>C on the plus strand (A>G on the coding strand, the complement: LRBA is on the minus strand). VCF-style: chr4-150265747-T-C. GRCh37 (hg19) VCF-style: chr4-151186899-T-C.
Other names: c.8531A>G, p.His2844Arg (NM_001199282.3); c.8549A>G, p.His2850Arg (NM_001367550.1); c.8567A>G, p.His2856Arg (NM_006726.5); short protein forms H2844R, H2845R, H2850R, H2856R.
Identifiers: ClinVar variation 2629236 (VCV002629236.1), dbSNP rs1411005628, ClinGen allele CA358436633.